The following is an entry in ClinVar:

ClinVar aggregate classification (germline): Uncertain significance (1 of 4 stars; one submission).

Conditions:
Cardiovascular phenotype. Identifiers: MedGen CN230736.

Submission:

Ambry Genetics
Classification: Uncertain significance for Cardiovascular phenotype. Last evaluated: 2023-06-17. Review status: criteria provided, single submitter. Criteria: Ambry Variant Classification Scheme 2023. Collection method: clinical testing. Allele origin: germline.
Comment: The p.G1593A variant (also known as c.4778G>C), located in coding exon 10 of the ALPK3 gene, results from a G to C substitution at nucleotide position 4778. The glycine at codon 1593 is replaced by alanine, an amino acid with similar properties. This amino acid position is conserved. In addition, this alteration is predicted to be tolerated by in silico analysis. Since supporting evidence is limited at this time, the clinical significance of this alteration remains unclear.

NM_020778.5(ALPK3):c.4172G>C (p.Gly1391Ala)

Gene: ALPK3 (alpha kinase 3; plus strand). Cytogenetic location: 15q25.3.
Variant type: single nucleotide variant.
Coding change: c.4172G>C on transcript NM_020778.5 (MANE Select); coding-DNA position 4172, G replaced by C.
Protein change: p.Gly1391Ala; replaces glycine 1391 with alanine.
Molecular consequence: missense variant.
Genome position (GRCh38, 1-based): chr15:84,862,677, G>C. VCF-style: chr15-84862677-G-C. GRCh37 (hg19) VCF-style: chr15-85405908-G-C.
Other names: short protein forms G1391A.
Identifiers: ClinVar variation 2625907 (VCV002625907.2), dbSNP rs1390397469, ClinGen allele CA393362659.